The following is an entry in ClinVar:

NM_004168.4(SDHA):c.1354C>T (p.Leu452Phe)

Gene: SDHA (succinate dehydrogenase complex flavoprotein subunit A; plus strand). Cytogenetic location: 5p15.33.
Variant type: single nucleotide variant.
Coding change: c.1354C>T on transcript NM_004168.4 (MANE Select); coding-DNA position 1354, C replaced by T.
Protein change: p.Leu452Phe; replaces leucine 452 with phenylalanine.
Molecular consequence: missense variant.
Genome position (GRCh38, 1-based): chr5:236,521, C>T. VCF-style: chr5-236521-C-T. GRCh37 (hg19) VCF-style: chr5-236636-C-T.
Other names: c.1210C>T, p.Leu404Phe (NM_001294332.2); c.1354C>T, p.Leu452Phe (NM_001330758.2); short protein forms L452F, L404F.
Identifiers: ClinVar variation 423532 (VCV000423532.19), dbSNP rs1064796477, ClinGen allele CA16618197.

ClinVar aggregate classification (germline): Uncertain significance. Review status: criteria provided, multiple submitters, no conflicts (2 of 4 stars). 4 submissions from 4 submitters: Uncertain significance (4). Last evaluated 2026-08-27.

Conditions:
Hereditary cancer-predisposing syndrome. Also called: Neoplastic Syndromes, Hereditary; Hereditary neoplastic syndrome; Hereditary Cancer Syndrome; Tumor predisposition. Identifiers: Orphanet 140162, MedGen C0027672, MeSH D009386, MONDO:0015356.
Mitochondrial complex II deficiency, nuclear type 1. Also called: SUCCINATE CoQ REDUCTASE DEFICIENCY. Identifiers: Orphanet 3208, MedGen C5700310, MONDO:0100294, OMIM 252011.
Pheochromocytoma/paraganglioma syndrome 5. Also called: Paragangliomas 5; SDHA-Related Hereditary Paraganglioma-Pheochromocytoma Syndrome. Identifiers: Orphanet 29072, MedGen C3279992, MONDO:0013602, OMIM 614165.
Dilated cardiomyopathy 1GG (CMD1GG). Identifiers: Orphanet 154, MedGen C3150898, MONDO:0013339, OMIM 613642.

Allele frequency attached by ClinVar (database versions not stated): gnomAD exomes 0.00001.
gnomAD v4.1: 12 of 1,614,068 alleles (0.00074%); highest among the groups gnomAD compares: Non-Finnish European, 0.001%; no homozygotes.

Submissions (4):

Ambry Genetics
Classification: Uncertain significance for Hereditary cancer-predisposing syndrome. Last evaluated: 2026-08-27. Review status: criteria provided, single submitter. Criteria: Ambry Variant Classification Scheme 2023. Collection method: clinical testing. Allele origin: germline.
Comment: The p.L452F variant (also known as c.1354C>T), located in coding exon 10 of the SDHA gene, results from a C to T substitution at nucleotide position 1354. The leucine at codon 452 is replaced by phenylalanine, an amino acid with highly similar properties. This variant was reported in individual(s) with paraganglioma (Ambry internal data). This amino acid position is highly conserved in available vertebrate species. In addition, this alteration is predicted to be deleterious by in silico analysis. Based on the available evidence, the clinical significance of this variant remains unclear.

Labcorp Genetics (formerly Invitae), Labcorp
Classification: Uncertain significance for Pheochromocytoma/paraganglioma syndrome 5; Mitochondrial complex II deficiency, nuclear type 1. Last evaluated: 2026-01-25. Review status: criteria provided, single submitter. Criteria: Invitae Variant Classification Sherloc (09022015). Collection method: clinical testing. Allele origin: germline.
Comment: This sequence change replaces leucine, which is neutral and non-polar, with phenylalanine, which is neutral and non-polar, at codon 452 of the SDHA protein (p.Leu452Phe). This variant is not present in population databases (gnomAD no frequency). This variant has not been reported in the literature in individuals affected with SDHA-related conditions. ClinVar contains an entry for this variant (Variation ID: 423532). Invitae Evidence Modeling of protein sequence and biophysical properties (such as structural, functional, and spatial information, amino acid conservation, physicochemical variation, residue mobility, and thermodynamic stability) has been performed for this missense variant. However, the output from this modeling did not meet the statistical confidence thresholds required to predict the impact of this variant on SDHA protein function. In summary, the available evidence is currently insufficient to determine the role of this variant in disease. Therefore, it has been classified as a Variant of Uncertain Significance.

Baylor Genetics
Classification: Uncertain significance for Dilated cardiomyopathy 1GG. Last evaluated: 2023-11-12. Review status: criteria provided, single submitter. Criteria: ACMG Guidelines, 2015. Collection method: clinical testing. Allele origin: unknown.

GeneDx
Classification: Uncertain significance. Last evaluated: 2017-02-09. Review status: criteria provided, single submitter. Criteria: GeneDx Variant Classification (06012015). Collection method: clinical testing. Allele origin: germline. Affected: yes.
Comment: This variant is denoted SDHA c.1354C>T at the cDNA level, p.Leu452Phe (L452F) at the protein level, and results in the change of a Leucine to a Phenylalanine (CTC>TTC). This variant has not, to our knowledge, been published in the literature as pathogenic or benign. SDHA Leu452Phe was not observed in approximately 6,500 individuals of European and African American ancestry in the NHLBI Exome Sequencing Project, suggesting it is not a common benign variant in these populations. Since Leucine and Phenylalanine share similar properties, this is considered a conservative amino acid substitution. SDHA Leu452Phe occurs at a position that is conserved across species and is not located in a known functional domain (UniProt). In silico analyses predict that this variant is probably damaging to protein structure and function. Based on currently available evidence, it is unclear whether SDHA Leu452Phe is a pathogenic or benign variant. We consider it to be a variant of uncertain significance.